The following is an entry in ClinVar:

NM_017827.4(SARS2):c.1255-3C>T

Gene: SARS2 (seryl-tRNA synthetase 2, mitochondrial; minus strand). Cytogenetic location: 19q13.2.
Variant type: single nucleotide variant.
Coding change: c.1255-3C>T on transcript NM_017827.4 (MANE Select); 3 bases into the intron before coding-DNA position 1255, C replaced by T.
Molecular consequence: intron variant.
Genome position (GRCh38, 1-based): chr19:38,916,132, G>A on the plus strand (C>T on the coding strand, the complement: SARS2 is on the minus strand). VCF-style: chr19-38916132-G-A. GRCh37 (hg19) VCF-style: chr19-39406772-G-A.
Other names: c.1261-3C>T (NM_001145901.2).
Identifiers: ClinVar variation 2430389 (VCV002430389.1), dbSNP rs2513525075, ClinGen allele CA2580097208.
Genomic context (GRCh38, chr19:38,916,132, plus strand): 5'-GGAACATGATGTGGAGGCGGCGGCTCTGGAAGTCTGTGCAGTTGGAAGCACTGGTGACCT[G>A]GGGTGGAGGAGCGGCAGGCTGAGCGGATCAGGGATGGGGGGCAGGCCTGTCCTCCTGCCC-3'

ClinVar aggregate classification (germline): Uncertain significance (1 of 4 stars; one submission).

Submission:

GeneDx
Classification: Uncertain significance. Last evaluated: 2022-08-22. Review status: criteria provided, single submitter. Criteria: GeneDx Variant Classification Process June 2021. Collection method: clinical testing. Allele origin: germline. Affected: yes.
Comment: Not observed at significant frequency in large population cohorts (gnomAD); In silico analysis supports that this variant does not alter splicing; Has not been previously published as pathogenic or benign to our knowledge